The following is an entry in ClinVar:

ClinVar aggregate classification (germline): Conflicting classifications of pathogenicity. Review status: criteria provided, conflicting classifications (1 of 4 stars). 4 submissions from 4 submitters: Uncertain significance (3); Likely benign (1). Last evaluated 2023-02-13.

Conditions:
Arthrogryposis, distal, type 1B. Identifiers: Orphanet 1146, MedGen C3280526, MONDO:0013698, OMIM 614335.
Myopathy, congenital, with tremor. Also called: myogenic tremor; CONGENITAL MYOPATHY 16. Identifiers: MedGen C5231401, MONDO:0032797, OMIM 618524.
Lethal congenital contracture syndrome 4 (LCCS4). Identifiers: MedGen C3554046, MONDO:0013965, OMIM 614915.
Inborn genetic diseases. Identifiers: MedGen C0950123, MeSH D030342.

Allele frequency attached by ClinVar (database versions not stated): ExAC 0.00007; TOPMed 0.00014; ESP Exome Variant Server 0.00015.
gnomAD v4.1: 174 of 1,613,924 alleles (0.011%); highest among the groups gnomAD compares: Non-Finnish European, 0.014%; no homozygotes.

Submissions (4):

Blueprint Genetics
Classification: Uncertain significance. Last evaluated: 2023-02-13. Review status: criteria provided, single submitter. Criteria: ACMG Guidelines, 2015. Collection method: clinical testing. Allele origin: germline.

Department of Pathology and Laboratory Medicine, Sinai Health System
Classification: Uncertain significance for Arthrogryposis, distal, type 1B; Lethal congenital contracture syndrome 4; Myopathy, congenital, with tremor. Last evaluated: 2022-12-20. Review status: criteria provided, single submitter. Criteria: ACMG Guidelines, 2015. Collection method: research. Allele origin: germline.

Ambry Genetics
Classification: Uncertain significance for Inborn genetic diseases. Last evaluated: 2021-08-16. Review status: criteria provided, single submitter. Criteria: Ambry Variant Classification Scheme 2023. Collection method: clinical testing. Allele origin: germline.

Illumina Laboratory Services, Illumina
Classification: Likely benign for Arthrogryposis, distal, type 1B. Last evaluated: 2018-01-13. Review status: criteria provided, single submitter. Criteria: ICSL Variant Classification Criteria 13 December 2019. Collection method: clinical testing. Allele origin: germline.
Comment: This variant was observed in the ICSL laboratory as part of a predisposition screen in an ostensibly healthy population. It had not been previously curated by ICSL or reported in the Human Gene Mutation Database (HGMD: prior to June 1st, 2018), and was therefore a candidate for classification through an automated scoring system. Utilizing variant allele frequency, disease prevalence and penetrance estimates, and inheritance mode, an automated score was calculated to assess if this variant is too frequent to cause the disease. Based on the score and internal cut-off values, a variant classified as likely benign is not then subjected to further curation. The score for this variant resulted in a classification of likely benign for this disease.

NM_002465.4(MYBPC1):c.1399C>G (p.Gln467Glu)

Gene: MYBPC1 (myosin binding protein C1; plus strand). Cytogenetic location: 12q23.2.
Variant type: single nucleotide variant.
Coding change: c.1399C>G on transcript NM_002465.4 (MANE Select); coding-DNA position 1399, C replaced by G.
Protein change: p.Gln467Glu; replaces glutamine 467 with glutamic acid.
Molecular consequence: missense variant.
Genome position (GRCh38, 1-based): chr12:101,651,266, C>G. VCF-style: chr12-101651266-C-G. GRCh37 (hg19) VCF-style: chr12-102045044-C-G.
Other names: c.1288C>G, p.Gln430Glu (NM_001254720.3); c.1267C>G, p.Gln423Glu (NM_001254721.3, NM_001404676.1, NM_001404678.1); c.1189C>G, p.Gln397Glu (NM_001404677.1, NM_001404679.1, NM_001404681.1); c.1246C>G, p.Gln416Glu (NM_001254722.3, NM_001404680.1); c.1285C>G, p.Gln429Glu (NM_001254723.3); c.1399C>G, p.Gln467Glu (NM_001404675.1, NM_206819.4); c.1324C>G, p.Gln442Glu (NM_001254718.3, NM_001254719.3, NM_206820.4 and 1 more transcripts); c.1399C>G (NM_002465.2); short protein forms Q416E, Q423E, Q442E, Q467E, Q429E, Q430E, Q397E.
Identifiers: ClinVar variation 882507 (VCV000882507.10), dbSNP rs146314887, ClinGen allele CA6744790.